The following is an entry in ClinVar:

NM_006941.4(SOX10):c.532_542del (p.Arg178fs)

Genes: POLR2F (RNA polymerase II, I and III subunit F; plus strand), SOX10 (SRY-box transcription factor 10; minus strand). Cytogenetic location: 22q13.1.
Variant type: Deletion.
Coding change: c.532_542del on transcript NM_006941.4 (MANE Select); coding-DNA positions 532 to 542, 11 bases deleted (CGGAAGAACGG).
Protein change: p.Arg178fs; shifts the reading frame from arginine 178.
Molecular consequence: frameshift variant. On other transcripts: intron variant (3).
Genome position (GRCh38, 1-based): chr22:37,978,022-37,978,032, CCGTTCTTCCG deleted on the plus strand (CGGAAGAACGG on the coding strand, the reverse complement: SOX10 is on the minus strand); deleting any 11 consecutive bases within chr22:37,978,022-37,978,035 gives the same sequence; the c. name uses the placement nearest the transcript's 3' end. VCF-style (leftmost placement, unchanged base first): chr22-37978021-CCCGTTCTTCCG-C. GRCh37 (hg19) VCF-style: chr22-38374028-CCCGTTCTTCCG-C.
Other names: c.*38+5715_*38+5725del (NM_001363825.1); c.294-8129_294-8119del (NM_001301130.2); c.293+10855_293+10865del (NM_001301131.2); short protein forms R178fs.
Identifiers: ClinVar variation 3601845 (VCV003601845.1).

ClinVar aggregate classification (germline): Pathogenic (1 of 4 stars; one submission).

Conditions:
Waardenburg syndrome type 4C (WS4C). Also called: WAARDENBURG SYNDROME WITH HIRSCHSPRUNG DISEASE, TYPE 4C. Identifiers: Orphanet 897, MedGen C2750452, MONDO:0013202, OMIM 613266.

Submission:

Institute of Rare Diseases, West China Hospital, Sichuan University
Classification: Pathogenic for Waardenburg syndrome type 4C. Last evaluated: 2025-01-09. Review status: criteria provided, single submitter. Criteria: ClinGen HL ACMG Specifications v1. Collection method: research. Allele origin: germline. Affected: yes.
Comment: PM1;PVS1;PP4;PM2_Supporting